The following is an entry in ClinVar:

ClinVar aggregate classification (germline): Uncertain significance. Review status: criteria provided, multiple submitters, no conflicts (2 of 4 stars). 3 submissions from 3 submitters: Uncertain significance (3). Last evaluated 2022-04-23.

Conditions:
Proteinuria, chronic benign. Identifiers: MedGen C5394384, MONDO:0030042, OMIM 618884.
Imerslund-Grasbeck syndrome type 1 (IGS1). Also called: Megaloblastic anemia 1, Finnish type; MEGALOBLASTIC ANEMIA, 1; Imerslund-Gräsbeck syndrome 1. Identifiers: MedGen C4016819, MONDO:0100156, OMIM 261100.
Imerslund-Grasbeck syndrome. Also called: Megaloblastic anemia due to inborn errors of metabolism; ENTEROCYTE COBALAMIN MALABSORPTION; ENTEROCYTE INTRINSIC FACTOR RECEPTOR, DEFECT OF; PERNICIOUS ANEMIA, JUVENILE, DUE TO SELECTIVE INTESTINAL MALABSORPTION OF VITAMIN B12, WITH PROTEINURIA; Imerslund-Gräsbeck syndrome. Identifiers: Orphanet 35858, MedGen C4551825, MONDO:0009853.

Allele frequency attached by ClinVar (database versions not stated): TOPMed 0.00001.
gnomAD v4.1: 31 of 1,614,120 alleles (0.0019%); highest among the groups gnomAD compares: Non-Finnish European, 0.0025%; no homozygotes.

Submissions (3):

Fulgent Genetics
Classification: Uncertain significance for Imerslund-Grasbeck syndrome type 1; Proteinuria, chronic benign. Last evaluated: 2022-04-23. Review status: criteria provided, single submitter. Criteria: ACMG Guidelines, 2015. Collection method: clinical testing. Allele origin: unknown.

Labcorp Genetics (formerly Invitae), Labcorp
Classification: Uncertain significance for Imerslund-Grasbeck syndrome. Last evaluated: 2021-07-12. Review status: criteria provided, single submitter. Criteria: Invitae Variant Classification Sherloc (09022015). Collection method: clinical testing. Allele origin: germline.
Comment: This sequence change replaces proline with alanine at codon 1357 of the CUBN protein (p.Pro1357Ala). The proline residue is moderately conserved and there is a small physicochemical difference between proline and alanine. This variant is present in population databases (rs780012075, ExAC 0.01%). This variant has not been reported in the literature in individuals with CUBN-related disease. Algorithms developed to predict the effect of missense changes on protein structure and function (SIFT, PolyPhen-2, Align-GVGD) all suggest that this variant is likely to be tolerated, but these predictions have not been confirmed by published functional studies and their clinical significance is uncertain. In summary, the available evidence is currently insufficient to determine the role of this variant in disease. Therefore, it has been classified as a Variant of Uncertain Significance.

Eurofins Ntd Llc (ga)
Classification: Uncertain significance. Last evaluated: 2017-06-23. Review status: criteria provided, single submitter. Criteria: EGL Classification Definitions 2015. Collection method: clinical testing. Allele origin: germline. Observed: 1 variant allele, 1 heterozygote.

NM_001081.4(CUBN):c.4069C>G (p.Pro1357Ala)

Gene: CUBN (cubilin; minus strand). Cytogenetic location: 10p13.
Variant type: single nucleotide variant.
Coding change: c.4069C>G on transcript NM_001081.4 (MANE Select); coding-DNA position 4069, C replaced by G.
Protein change: p.Pro1357Ala; replaces proline 1357 with alanine.
Molecular consequence: missense variant.
Genome position (GRCh38, 1-based): chr10:17,019,932, G>C on the plus strand (C>G on the coding strand, the complement: CUBN is on the minus strand). VCF-style: chr10-17019932-G-C. GRCh37 (hg19) VCF-style: chr10-17061931-G-C.
Other names: short protein forms P1357A.
Identifiers: ClinVar variation 502527 (VCV000502527.14), dbSNP rs780012075, ClinGen allele CA5424495.